The following is an entry in ClinVar:

ClinVar aggregate classification (germline): Uncertain significance (1 of 4 stars; one submission).

Conditions:
Familial adenomatous polyposis 1 (FAP1). Also called: FAMILIAL ADENOMATOUS POLYPOSIS 1, ATTENUATED; POLYPOSIS, ADENOMATOUS INTESTINAL. Identifiers: MedGen C2713442, MONDO:0021056, OMIM 175100. Disease mechanism: loss of function.

Allele frequency attached by ClinVar (database versions not stated): TOPMed 0.00003; gnomAD 0.00005.
gnomAD v4.1: 8 of 152,126 alleles (0.0053%); highest among the groups gnomAD compares: African/African-American, 0.019%; no homozygotes.

Submission:

Labcorp Genetics (formerly Invitae), Labcorp
Classification: Uncertain significance for Familial adenomatous polyposis 1. Last evaluated: 2023-01-16. Review status: criteria provided, single submitter. Criteria: Invitae Variant Classification Sherloc (09022015). Collection method: clinical testing. Allele origin: germline.
Comment: This variant is present in population databases (no rsID available, gnomAD 0.02%). In summary, the available evidence is currently insufficient to determine the role of this variant in disease. Therefore, it has been classified as a Variant of Uncertain Significance. Studies have shown that this variant is associated with altered splicing resulting in unknown protein product impact (Invitae). This variant has not been reported in the literature in individuals affected with APC-related conditions. This sequence change falls in intron 14 of the APC gene. It does not directly change the encoded amino acid sequence of the APC protein.

NM_000038.6(APC):c.1744-429C>T

Gene: APC (APC regulator of Wnt signaling pathway; plus strand). Cytogenetic location: 5q22.2.
Variant type: single nucleotide variant.
Coding change: c.1744-429C>T on transcript NM_000038.6 (MANE Select); 429 bases into the intron before coding-DNA position 1744, C replaced by T.
Molecular consequence: intron variant.
Genome position (GRCh38, 1-based): chr5:112,834,522, C>T. VCF-style: chr5-112834522-C-T. GRCh37 (hg19) VCF-style: chr5-112170219-C-T.
Other names: c.895-429C>T (NM_001407470.1, NM_001354906.2); c.592-429C>T (NM_001407472.1, NM_001407471.1); c.1798-429C>T (NM_001407447.1, NM_001407448.1, NM_001407449.1 and 1 more transcripts); c.1744-429C>T (NM_001354895.2, NM_001407450.1, NM_001127510.3); c.1495-429C>T (NM_001407456.1, NM_001407457.1, NM_001407455.1 and 1 more transcripts); c.1441-429C>T (NM_001407460.1, NM_001407458.1, NM_001407459.1 and 1 more transcripts); c.1714-429C>T (NM_001407452.1); c.1357-429C>T (NM_001407469.1, NM_001407467.1); and 11 more.
Identifiers: ClinVar variation 2829298 (VCV002829298.3), dbSNP rs1034501812, ClinGen allele CA124982229.